The following is an entry in ClinVar:

NM_015690.5(STK36):c.2087A>C (p.Gln696Pro)

Gene: STK36 (serine/threonine kinase 36; plus strand). Cytogenetic location: 2q35.
Variant type: single nucleotide variant.
Coding change: c.2087A>C on transcript NM_015690.5 (MANE Select); coding-DNA position 2087, A replaced by C.
Protein change: p.Gln696Pro; replaces glutamine 696 with proline.
Molecular consequence: missense variant.
Genome position (GRCh38, 1-based): chr2:218,693,283, A>C. VCF-style: chr2-218693283-A-C. GRCh37 (hg19) VCF-style: chr2-219558006-A-C.
Other names: c.2087A>C, p.Gln696Pro (NM_001243313.2, NM_001369423.1); short protein forms Q696P.
Identifiers: ClinVar variation 770878 (VCV000770878.25), dbSNP rs145980892, ClinGen allele CA2110999.

ClinVar aggregate classification (germline): Benign. Review status: criteria provided, multiple submitters, no conflicts (2 of 4 stars). 4 submissions from 4 submitters: Benign (3). 1 of the submissions does not count toward it. Last evaluated 2025-08-01.

Conditions:
STK36-related disorder. Also called: STK36-related condition.

Allele frequency attached by ClinVar (database versions not stated): TOPMed 0.00089; ESP Exome Variant Server 0.00092; 1000 Genomes Project 0.00100; 1000 Genomes Project 30x 0.00125; gnomAD exomes 0.00213 and 0.00254; gnomAD 0.00234 and 0.00241; ExAC 0.00242.
gnomAD v4.1: 3,454 of 1,614,222 alleles (0.21%); highest among the groups gnomAD compares: Middle Eastern, 0.23%; 16 homozygotes.

Submissions (4):

CeGaT Center for Human Genetics Tuebingen
Classification: Benign. Last evaluated: 2025-08-01. Review status: criteria provided, single submitter. Criteria: CeGaT Center For Human Genetics Tuebingen Variant Classification Criteria Version 2. Collection method: clinical testing. Allele origin: germline. Affected: yes. Observed: 2 variant alleles.
Comment: STK36: BP4, BS1, BS2

Labcorp Genetics (formerly Invitae), Labcorp
Classification: Benign. Last evaluated: 2019-12-31. Review status: criteria provided, single submitter. Criteria: Invitae Variant Classification Sherloc (09022015). Collection method: clinical testing. Allele origin: germline.

Breakthrough Genomics
Classification: Benign. Review status: criteria provided, single submitter. Criteria: ACMG Guidelines, 2015. Collection method: not provided. Allele origin: germline. Inheritance: Autosomal recessive inheritance. Affected: yes.

PreventionGenetics, part of Exact Sciences
Classification: Benign for STK36-related condition. Last evaluated: 2019-07-10. Review status: no assertion criteria provided. Collection method: clinical testing. Allele origin: germline. Not counted in ClinVar's aggregate classification.
Comment: This variant is classified as benign based on ACMG/AMP sequence variant interpretation guidelines (Richards et al. 2015 PMID: 25741868, with internal and published modifications).